The following is an entry in ClinVar:

ClinVar aggregate classification (germline): Uncertain significance (1 of 4 stars; one submission).

Conditions:
Dilated cardiomyopathy 1O (CMD1O). Also called: CARDIOMYOPATHY, DILATED, WITH VENTRICULAR TACHYCARDIA. Identifiers: Orphanet 154, MedGen C1837839, MONDO:0012062, OMIM 608569.

Submission:

Labcorp Genetics (formerly Invitae), Labcorp
Classification: Uncertain significance for Dilated cardiomyopathy 1O. Last evaluated: 2024-05-09. Review status: criteria provided, single submitter. Criteria: Invitae Variant Classification Sherloc (09022015). Collection method: clinical testing. Allele origin: germline.
Comment: This sequence change replaces cysteine, which is neutral and slightly polar, with arginine, which is basic and polar, at codon 1413 of the ABCC9 protein (p.Cys1413Arg). This variant is not present in population databases (gnomAD no frequency). This variant has not been reported in the literature in individuals affected with ABCC9-related conditions. Advanced modeling of protein sequence and biophysical properties (such as structural, functional, and spatial information, amino acid conservation, physicochemical variation, residue mobility, and thermodynamic stability) has been performed at Invitae for this missense variant, however the output from this modeling did not meet the statistical confidence thresholds required to predict the impact of this variant on ABCC9 protein function. In summary, the available evidence is currently insufficient to determine the role of this variant in disease. Therefore, it has been classified as a Variant of Uncertain Significance.

NM_020297.4(ABCC9):c.4237T>C (p.Cys1413Arg)

Genes: ABCC9 (ATP binding cassette subfamily C member 9; minus strand), KCNJ8-AS1 (KCNJ8 antisense RNA 1; plus strand). Cytogenetic location: 12p12.1.
Variant type: single nucleotide variant.
Coding change: c.4237T>C on transcript NM_020297.4 (MANE Select); coding-DNA position 4237, T replaced by C.
Protein change: p.Cys1413Arg; replaces cysteine 1413 with arginine.
Molecular consequence: missense variant.
Genome position (GRCh38, 1-based): chr12:21,809,930, A>G on the plus strand (T>C on the coding strand, the complement: ABCC9 is on the minus strand). VCF-style: chr12-21809930-A-G. GRCh37 (hg19) VCF-style: chr12-21962864-A-G.
Other names: c.4237T>C, p.Cys1413Arg (NM_005691.4, NM_001377273.1); c.3370T>C, p.Cys1124Arg (NM_001377274.1); short protein forms C1124R, C1413R.
Identifiers: ClinVar variation 3652862 (VCV003652862.2).
Genomic context (GRCh38, chr12:21,809,930, plus strand): 5'-ATTTGACCATATTCTTCAGCTGAGCAATTTCTAAGGCTTCCCAGAGTCTGTCATCTGTGC[A>G]TTTGCACTCTGGATCTAAATTAAATCTGTAGGGAAAAATTAGTTAATTAGTCAATAAGTG-3'
Protein context (NP_064693.2, residues 1403-1423): IRFNLDPECK[Cys1413Arg]TDDRLWEALE